The following is an entry in ClinVar:

NM_002528.7(NTHL1):c.78G>T (p.Glu26Asp)

Gene: NTHL1 (nth like DNA glycosylase 1; minus strand). Cytogenetic location: 16p13.3.
Variant type: single nucleotide variant.
Coding change: c.78G>T on transcript NM_002528.7 (MANE Select); coding-DNA position 78, G replaced by T.
Protein change: p.Glu26Asp; replaces glutamic acid 26 with aspartic acid.
Molecular consequence: missense variant. On other transcripts: 5 prime UTR variant (1).
Genome position (GRCh38, 1-based): chr16:2,047,746, C>A on the plus strand (G>T on the coding strand, the complement: NTHL1 is on the minus strand). VCF-style: chr16-2047746-C-A. GRCh37 (hg19) VCF-style: chr16-2097747-C-A.
Other names: c.78G>T, p.Glu26Asp (NM_001318193.2); c.-101G>T (NM_001318194.2); c.102G>T (NM_002528.5); short protein forms E26D.
Identifiers: ClinVar variation 938849 (VCV000938849.10), dbSNP rs2084518192, ClinGen allele CA394298348.

ClinVar aggregate classification (germline): Uncertain significance. Review status: criteria provided, multiple submitters, no conflicts (2 of 4 stars). 2 submissions from 2 submitters: Uncertain significance (2). Last evaluated 2026-07-06.

Conditions:
Hereditary cancer-predisposing syndrome. Also called: Neoplastic Syndromes, Hereditary; Hereditary Cancer Syndrome; Tumor predisposition; Hereditary neoplastic syndrome. Identifiers: Orphanet 140162, MedGen C0027672, MeSH D009386, MONDO:0015356.

Submissions (2):

Ambry Genetics
Classification: Uncertain significance for Hereditary cancer-predisposing syndrome. Last evaluated: 2026-07-06. Review status: criteria provided, single submitter. Criteria: Ambry Variant Classification Scheme 2023. Collection method: clinical testing. Allele origin: germline.
Comment: The p.E34D variant (also known as c.102G>T), located in coding exon 1 of the NTHL1 gene, results from a G to T substitution at nucleotide position 102. The glutamic acid at codon 34 is replaced by aspartic acid, an amino acid with highly similar properties. This amino acid position is conserved. In addition, this alteration is predicted to be tolerated by in silico analysis. Based on the available evidence, the clinical significance of this variant remains unclear.

Labcorp Genetics (formerly Invitae), Labcorp
Classification: Uncertain significance. Last evaluated: 2022-10-17. Review status: criteria provided, single submitter. Criteria: Invitae Variant Classification Sherloc (09022015). Collection method: clinical testing. Allele origin: germline.
Comment: In summary, the available evidence is currently insufficient to determine the role of this variant in disease. Therefore, it has been classified as a Variant of Uncertain Significance. Algorithms developed to predict the effect of missense changes on protein structure and function are either unavailable or do not agree on the potential impact of this missense change (SIFT: "Not Available"; PolyPhen-2: "Probably Damaging"; Align-GVGD: "Not Available"). ClinVar contains an entry for this variant (Variation ID: 938849). This variant has not been reported in the literature in individuals affected with NTHL1-related conditions. This variant is not present in population databases (gnomAD no frequency). This sequence change replaces glutamic acid, which is acidic and polar, with aspartic acid, which is acidic and polar, at codon 34 of the NTHL1 protein (p.Glu34Asp).